The following is an entry in ClinVar:

NM_198428.3(BBS9):c.112+2T>C

Gene: BBS9 (Bardet-Biedl syndrome 9; plus strand). Cytogenetic location: 7p14.3.
Variant type: single nucleotide variant.
Coding change: c.112+2T>C on transcript NM_198428.3 (MANE Select); the canonical splice donor site of the intron after coding-DNA position 112, T replaced by C.
Molecular consequence: splice donor variant. On other transcripts: intron variant (4).
Genome position (GRCh38, 1-based): chr7:33,146,366, T>C. VCF-style: chr7-33146366-T-C. GRCh37 (hg19) VCF-style: chr7-33185978-T-C.
Other names: c.112+2T>C (NM_001348036.1, NM_001362679.1, NM_001348041.4 and 5 more transcripts); c.-166+2T>C (NM_001348038.3, NM_001348039.3); c.-190+2T>C (NM_001348037.3); c.-23-6335T>C (NM_001348042.3); c.-189-6335T>C (NM_001348045.3); c.-39+16325T>C (NM_001348046.3, NM_001348044.3).
Identifiers: ClinVar variation 2347478 (VCV002347478.2), dbSNP rs2535200211, ClinGen allele CA367189468.

ClinVar aggregate classification (germline): Uncertain significance (1 of 4 stars; one submission).

Conditions:
Inborn genetic diseases. Identifiers: MedGen C0950123, MeSH D030342.

Submission:

Ambry Genetics
Classification: Uncertain significance for Inborn genetic diseases. Last evaluated: 2021-03-19. Review status: criteria provided, single submitter. Criteria: Ambry Variant Classification Scheme 2023. Collection method: clinical testing. Allele origin: germline.
Comment: The c.112+2T>C intronic alteration consists of a T to C substitution nucleotides after coding exon 1 in the BBS9 gene. Based on insufficient or conflicting evidence, the clinical significance of this alteration remains unclear.